The following is an entry in ClinVar:

NM_018192.4(P3H2):c.430G>A (p.Asp144Asn)

Gene: P3H2 (prolyl 3-hydroxylase 2; minus strand). Cytogenetic location: 3q28.
Variant type: single nucleotide variant.
Coding change: c.430G>A on transcript NM_018192.4 (MANE Select); coding-DNA position 430, G replaced by A.
Protein change: p.Asp144Asn; replaces aspartic acid 144 with asparagine.
Molecular consequence: missense variant. On other transcripts: intron variant (1).
Genome position (GRCh38, 1-based): chr3:190,120,302, C>T on the plus strand (G>A on the coding strand, the complement: P3H2 is on the minus strand). VCF-style: chr3-190120302-C-T. GRCh37 (hg19) VCF-style: chr3-189838091-C-T.
Other names: c.-64+1901G>A (NM_001134418.2); c.430G>A (NM_018192.3); short protein forms D144N.
Identifiers: ClinVar variation 1041042 (VCV001041042.6), dbSNP rs749429079, ClinGen allele CA2753373.

ClinVar aggregate classification (germline): Uncertain significance. Review status: criteria provided, multiple submitters, no conflicts (2 of 4 stars). 2 submissions from 2 submitters: Uncertain significance (2). Last evaluated 2025-09-22.

Conditions:
Inborn genetic diseases. Identifiers: MedGen C0950123, MeSH D030342.

Allele frequency attached by ClinVar (database versions not stated): TOPMed below 0.00001; ExAC 0.00001; gnomAD 0.00001; gnomAD exomes 0.00002.

Submissions (2):

Ambry Genetics
Classification: Uncertain significance for Inborn genetic diseases. Last evaluated: 2025-09-22. Review status: criteria provided, single submitter. Criteria: Ambry Variant Classification Scheme 2023. Collection method: clinical testing. Allele origin: germline.

Labcorp Genetics (formerly Invitae), Labcorp
Classification: Uncertain significance. Last evaluated: 2023-10-13. Review status: criteria provided, single submitter. Criteria: Invitae Variant Classification Sherloc (09022015). Collection method: clinical testing. Allele origin: germline.
Comment: This sequence change replaces aspartic acid, which is acidic and polar, with asparagine, which is neutral and polar, at codon 144 of the P3H2 protein (p.Asp144Asn). This variant is present in population databases (rs749429079, gnomAD 0.007%). This variant has not been reported in the literature in individuals affected with P3H2-related conditions. ClinVar contains an entry for this variant (Variation ID: 1041042). Advanced modeling of protein sequence and biophysical properties (such as structural, functional, and spatial information, amino acid conservation, physicochemical variation, residue mobility, and thermodynamic stability) performed at Invitae indicates that this missense variant is not expected to disrupt P3H2 protein function. In summary, the available evidence is currently insufficient to determine the role of this variant in disease. Therefore, it has been classified as a Variant of Uncertain Significance.